The following is an entry in ClinVar:

NM_001128178.3(NPHP1):c.426G>T (p.Glu142Asp)

Gene: NPHP1 (nephrocystin 1; minus strand). Cytogenetic location: 2q13.
Variant type: single nucleotide variant.
Coding change: c.426G>T on transcript NM_001128178.3 (MANE Select); coding-DNA position 426, G replaced by T.
Protein change: p.Glu142Asp; replaces glutamic acid 142 with aspartic acid.
Molecular consequence: missense variant.
Genome position (GRCh38, 1-based): chr2:110,169,902, C>A on the plus strand (G>T on the coding strand, the complement: NPHP1 is on the minus strand). VCF-style: chr2-110169902-C-A. GRCh37 (hg19) VCF-style: chr2-110927479-C-A.
Other names: c.426G>T, p.Glu142Asp (NM_000272.5, NM_001374256.1, NM_001374257.1 and 1 more transcripts); c.240G>T, p.Glu80Asp (NM_001128179.3); c.426G>T (NM_000272.3, NM_000272.4); short protein forms E142D, E80D.
Identifiers: ClinVar variation 1419832 (VCV001419832.9), dbSNP rs765568261, ClinGen allele CA1827396.

ClinVar aggregate classification (germline): Uncertain significance. Review status: criteria provided, multiple submitters, no conflicts (2 of 4 stars). 4 submissions from 4 submitters: Uncertain significance (4). Last evaluated 2025-09-22.

Conditions:
NPHP1-related disorder. Also called: NPHP1-related disorders; NPHP1-related condition.
Inborn genetic diseases. Identifiers: MedGen C0950123, MeSH D030342.
Nephronophthisis. Also called: Juvenile Nephronophthisis. Identifiers: Orphanet 655, MedGen C0687120, MONDO:0019005, HP:0000090.
Senior-Loken syndrome 1 (SLSN1). Also called: JUVENILE NEPHRONOPHTHISIS WITH LEBER AMAUROSIS. Identifiers: Orphanet 3156, MedGen C4551559, MONDO:0009962, OMIM 266900.
Nephronophthisis 1 (NPHP1). Also called: Nephronophthisis familial juvenile. Identifiers: Orphanet 655, Orphanet 93592, MedGen C1855681, MONDO:0009728, OMIM 256100.
Joubert syndrome with renal defect. Also called: JOUBERT SYNDROME 4. Identifiers: Orphanet 220497, MedGen C1846790, MONDO:0012308, OMIM 609583.

Allele frequency attached by ClinVar (database versions not stated): ExAC 0.00004; TOPMed 0.00002; gnomAD 0.00003; gnomAD exomes 0.00003.
gnomAD v4.1: 53 of 1,609,958 alleles (0.0033%); highest among the groups gnomAD compares: Middle Eastern, 0.017%; 1 homozygote.

Submissions (4):

PreventionGenetics, part of Exact Sciences
Classification: Uncertain significance for NPHP1-related condition. Last evaluated: 2025-09-22. Review status: criteria provided, single submitter. Criteria: ACMG Guidelines, 2015. Collection method: clinical testing. Allele origin: germline.
Comment: The NPHP1 c.426G>T variant is predicted to result in the amino acid substitution p.Glu142Asp. To our knowledge, this variant has not been reported in the literature. This variant is reported in 0.0098% of alleles in individuals of South Asian descent in gnomAD. At this time, the clinical significance of this variant is uncertain due to the absence of conclusive functional and genetic evidence.

Ambry Genetics
Classification: Uncertain significance for Inborn genetic diseases. Last evaluated: 2024-06-07. Review status: criteria provided, single submitter. Criteria: Ambry Variant Classification Scheme 2023. Collection method: clinical testing. Allele origin: germline.

Fulgent Genetics
Classification: Uncertain significance for Nephronophthisis 1; Senior-Loken syndrome 1; Joubert syndrome with renal defect. Last evaluated: 2024-05-14. Review status: criteria provided, single submitter. Criteria: ACMG Guidelines, 2015. Collection method: clinical testing. Allele origin: germline.

Labcorp Genetics (formerly Invitae), Labcorp
Classification: Uncertain significance for Nephronophthisis. Last evaluated: 2021-09-02. Review status: criteria provided, single submitter. Criteria: Invitae Variant Classification Sherloc (09022015). Collection method: clinical testing. Allele origin: germline.
Comment: This sequence change replaces glutamic acid with aspartic acid at codon 142 of the NPHP1 protein (p.Glu142Asp). The glutamic acid residue is weakly conserved and there is a small physicochemical difference between glutamic acid and aspartic acid. This variant is present in population databases (rs765568261, ExAC 0.006%). This variant has not been reported in the literature in individuals affected with NPHP1-related conditions. Algorithms developed to predict the effect of missense changes on protein structure and function output the following: SIFT: "Tolerated"; PolyPhen-2: "Benign"; Align-GVGD: "Class C0". The aspartic acid amino acid residue is found in multiple mammalian species, which suggests that this missense change does not adversely affect protein function. In summary, the available evidence is currently insufficient to determine the role of this variant in disease. Therefore, it has been classified as a Variant of Uncertain Significance.